The following is an entry in ClinVar:

ClinVar aggregate classification (germline): Pathogenic. Review status: criteria provided, multiple submitters, no conflicts (2 of 4 stars). 3 submissions from 3 submitters: Pathogenic (3). Last evaluated 2025-07-30.

Conditions:
Familial cancer of breast. Also called: BREAST CANCER, FAMILIAL; Hereditary breast cancer; hereditary breast carcinoma. Identifiers: Orphanet 227535, MedGen C0346153, MONDO:0016419, OMIM 114480. Disease mechanism: loss of function.
Hereditary cancer-predisposing syndrome. Also called: Neoplastic Syndromes, Hereditary; Hereditary Cancer Syndrome; Hereditary neoplastic syndrome; Tumor predisposition. Identifiers: Orphanet 140162, MedGen C0027672, MeSH D009386, MONDO:0015356.

Submissions (3):

Ambry Genetics
Classification: Pathogenic for Hereditary cancer-predisposing syndrome. Last evaluated: 2025-07-30. Review status: criteria provided, single submitter. Criteria: Ambry Variant Classification Scheme 2023. Collection method: clinical testing. Allele origin: germline.
Comment: The p.Q1146* pathogenic mutation (also known as c.3436C>T), located in coding exon 13 of the PALB2 gene, results from a C to T substitution at nucleotide position 3436. This changes the amino acid from a glutamine to a stop codon within coding exon 13. This alteration occurs at the 3' terminus of thePALB2 gene, is not expected to trigger nonsense-mediated mRNA decay, and impacts the last 41 amino acids of the protein. However, premature stop codons are typically deleterious in nature and the impacted region is critical for protein function (Ambry internal data). Another truncating alteration downstream, p.Y1183*, has been observed in an individual with clinical features of Fanconi Anemia-N (FA-N) who carried p.Y1183* in conjunction with a PALB2 frameshift mutation and was found to have no detectable PALB2 protein in lymphoblastoid cells (Reid S et al. Nat. Genet. 2007 Feb;39:162-4). This variant is considered to be rare based on population cohorts in the Genome Aggregation Database (gnomAD). Based on the supporting evidence, this alteration is interpreted as a disease-causing mutation.

Myriad Genetics, Inc.
Classification: Pathogenic for Familial cancer of breast. Last evaluated: 2023-09-15. Review status: criteria provided, single submitter. Criteria: Myriad Autosomal Dominant, Autosomal Recessive and X-Linked Classification Criteria (2023). Collection method: clinical testing. Allele origin: unknown.
Comment: This variant is considered pathogenic. This variant creates a termination codon and is predicted to result in premature protein truncation.

Labcorp Genetics (formerly Invitae), Labcorp
Classification: Pathogenic for Familial cancer of breast. Last evaluated: 2022-10-13. Review status: criteria provided, single submitter. Criteria: Invitae Variant Classification Sherloc (09022015). Collection method: clinical testing. Allele origin: germline.
Comment: For these reasons, this variant has been classified as Pathogenic. This variant disrupts a region of the PALB2 protein in which other variant(s) (p.Tyr1183*) have been determined to be pathogenic (PMID: 17200668, 17200671, 19609323, 20927582, 21165770, 21365267, 22241545, 26315354). This suggests that this is a clinically significant region of the protein, and that variants that disrupt it are likely to be disease-causing. ClinVar contains an entry for this variant (Variation ID: 460994). This variant has not been reported in the literature in individuals affected with PALB2-related conditions. This variant is not present in population databases (gnomAD no frequency). This sequence change creates a premature translational stop signal (p.Gln1146*) in the PALB2 gene. While this is not anticipated to result in nonsense mediated decay, it is expected to disrupt the last 41 amino acid(s) of the PALB2 protein.

Literature cited by the submitters: PubMed 17200668 (cited by Labcorp Genetics (formerly Invitae), Labcorp); PubMed 17200671 (cited by Labcorp Genetics (formerly Invitae), Labcorp); PubMed 19609323 (cited by Labcorp Genetics (formerly Invitae), Labcorp); PubMed 20927582 (cited by Labcorp Genetics (formerly Invitae), Labcorp); PubMed 21165770 (cited by Labcorp Genetics (formerly Invitae), Labcorp); PubMed 21365267 (cited by Labcorp Genetics (formerly Invitae), Labcorp); PubMed 22241545 (cited by Labcorp Genetics (formerly Invitae), Labcorp); PubMed 26315354 (cited by Labcorp Genetics (formerly Invitae), Labcorp).

NM_024675.4(PALB2):c.3436C>T (p.Gln1146Ter)

Gene: PALB2 (partner and localizer of BRCA2; minus strand). Cytogenetic location: 16p12.2.
Variant type: single nucleotide variant.
Coding change: c.3436C>T on transcript NM_024675.4 (MANE Select); coding-DNA position 3436, C replaced by T.
Protein change: p.Gln1146Ter; replaces glutamine 1146 with a stop codon.
Molecular consequence: nonsense.
Genome position (GRCh38, 1-based): chr16:23,603,584, G>A on the plus strand (C>T on the coding strand, the complement: PALB2 is on the minus strand). VCF-style: chr16-23603584-G-A. GRCh37 (hg19) VCF-style: chr16-23614905-G-A.
Other names: short protein forms Q1146*.
Identifiers: ClinVar variation 460994 (VCV000460994.16), dbSNP rs879254033, ClinGen allele CA395138158.
Genomic context (GRCh38, chr16:23,603,584, plus strand): 5'-CCGACCATTTCACAAAAGACCAATGTTGGTCAGAGACAGGTGGGAGGAGGGCAGTACACT[G>A]ACCGAGAAGTAAGTCCCAAATGGCAATTGTTCCAGAAGTCAAGATTGCTGCTGCACAGTG-3'